The following is an entry in ClinVar:

NM_000836.4(GRIN2D):c.3751C>A (p.His1251Asn)

Gene: GRIN2D (glutamate ionotropic receptor NMDA type subunit 2D; plus strand). Cytogenetic location: 19q13.33.
Variant type: single nucleotide variant.
Coding change: c.3751C>A on transcript NM_000836.4 (MANE Select); coding-DNA position 3751, C replaced by A.
Protein change: p.His1251Asn; replaces histidine 1251 with asparagine.
Molecular consequence: missense variant.
Genome position (GRCh38, 1-based): chr19:48,443,677, C>A. VCF-style: chr19-48443677-C-A. GRCh37 (hg19) VCF-style: chr19-48946934-C-A.
Other names: short protein forms H1251N.
Identifiers: ClinVar variation 1717568 (VCV001717568.5), dbSNP rs2513694037, ClinGen allele CA406678013.

ClinVar aggregate classification (germline): Uncertain significance (1 of 4 stars; one submission).

Submission:

Labcorp Genetics (formerly Invitae), Labcorp
Classification: Uncertain significance. Last evaluated: 2022-08-22. Review status: criteria provided, single submitter. Criteria: Invitae Variant Classification Sherloc (09022015). Collection method: clinical testing. Allele origin: germline.
Comment: In summary, the available evidence is currently insufficient to determine the role of this variant in disease. Therefore, it has been classified as a Variant of Uncertain Significance. Advanced modeling of protein sequence and biophysical properties (such as structural, functional, and spatial information, amino acid conservation, physicochemical variation, residue mobility, and thermodynamic stability) performed at Invitae indicates that this missense variant is not expected to disrupt GRIN2D protein function. This variant has not been reported in the literature in individuals affected with GRIN2D-related conditions. The frequency data for this variant in the population databases is considered unreliable, as metrics indicate insufficient coverage at this position in the gnomAD database. This sequence change replaces histidine, which is basic and polar, with asparagine, which is neutral and polar, at codon 1251 of the GRIN2D protein (p.His1251Asn).